The following is an entry in ClinVar:

NM_001166108.2(PALLD):c.1965-13029T>C

Gene: PALLD (palladin, cytoskeletal associated protein; plus strand). Cytogenetic location: 4q32.3.
Variant type: single nucleotide variant.
Coding change: c.1965-13029T>C on transcript NM_001166108.2 (MANE Select); 13029 bases into the intron before coding-DNA position 1965, T replaced by C.
Molecular consequence: intron variant. On other transcripts: missense variant (1), initiator codon variant (1).
Genome position (GRCh38, 1-based): chr4:168,877,893, T>C. VCF-style: chr4-168877893-T-C. GRCh37 (hg19) VCF-style: chr4-169799044-T-C.
Other names: c.-157-13029T>C (NM_001367568.1, NM_001367567.1, NM_001367569.1 and 1 more transcripts); c.2T>C, p.Met1Thr (NM_001166110.2); c.1965-13029T>C (NM_016081.4); c.819-13029T>C (NM_001166109.2); short protein forms M1T.
Identifiers: ClinVar variation 5026232 (VCV005026232.1).

ClinVar aggregate classification (germline): Uncertain significance (1 of 4 stars; one submission).

gnomAD v4.1: 1 of 1,465,104 alleles (0.000068%); highest among the groups gnomAD compares: Non-Finnish European, 0.00009%; no homozygotes.

Submission:

Ambry Genetics
Classification: Uncertain significance. Last evaluated: 2026-07-29. Review status: criteria provided, single submitter. Criteria: Ambry Variant Classification Scheme 2023. Collection method: clinical testing. Allele origin: germline.
Comment: The p.M1? variant (also known as c.2T>C) is located in coding exon 1 of the PALLD gene and results from a T to C substitution at nucleotide position 2. This alters the methionine residue at the initiation codon (ATG). Sequence variations that modify the initiation codon are expected to result in either loss of translation initiation, N-terminal truncation, or cause a shift in the mRNA reading frame. The evidence for this gene-disease relationship is limited; therefore, the clinical significance of this alteration is unclear.